The following is an entry in ClinVar:

ClinVar aggregate classification (germline): Conflicting classifications of pathogenicity. Review status: criteria provided, conflicting classifications (1 of 4 stars). 7 submissions from 7 submitters: Uncertain significance (4); Likely benign (1). 2 of the submissions do not count toward it. Last evaluated 2025-06-25.

Conditions:
Hereditary cancer-predisposing syndrome. Also called: Hereditary Cancer Syndrome; Neoplastic Syndromes, Hereditary; Hereditary neoplastic syndrome; Tumor predisposition. Identifiers: Orphanet 140162, MedGen C0027672, MeSH D009386, MONDO:0015356.
Hereditary breast ovarian cancer syndrome. Also called: Breast and ovarian cancer; Hereditary breast and/or ovarian cancer syndrome; Hereditary breast and ovarian cancer; Hereditary breast and ovarian cancer syndrome; Hereditary breast and ovarian cancer syndrome (HBOC); BRCA1- and BRCA2-Associated Hereditary Breast and Ovarian Cancer. Identifiers: Orphanet 145, MedGen C0677776, MeSH D061325, MONDO:0003582. Disease mechanism: loss of function.
Breast-ovarian cancer, familial, susceptibility to, 2 (BROVCA2). Also called: BRCA2 Hereditary Breast and Ovarian Cancer. Identifiers: Orphanet 145, MedGen C2675520, MONDO:0012933, OMIM 612555. Disease mechanism: loss of function.

Allele frequency attached by ClinVar (database versions not stated): gnomAD 0.00003.
gnomAD v4.1: 1 of 1,611,442 alleles (0.000062%); no homozygotes.

Submissions (7):

GeneDx
Classification: Uncertain significance. Last evaluated: 2025-06-25. Review status: criteria provided, single submitter. Criteria: GeneDx Variant Classification Process June 2021. Collection method: clinical testing. Allele origin: germline. Affected: yes.
Comment: Not observed at significant frequency in large population cohorts (gnomAD); In silico analysis supports that this missense variant has a deleterious effect on protein structure/function; Has not been previously published as pathogenic or benign to our knowledge; Also known as 5467A>G

Ambry Genetics
Classification: Uncertain significance for Hereditary cancer-predisposing syndrome. Last evaluated: 2025-03-12. Review status: criteria provided, single submitter. Criteria: Ambry Variant Classification Scheme 2023. Collection method: clinical testing. Allele origin: germline.
Comment: The p.N1747D variant (also known as c.5239A>G), located in coding exon 10 of the BRCA2 gene, results from an A to G substitution at nucleotide position 5239. The asparagine at codon 1747 is replaced by aspartic acid, an amino acid with highly similar properties. This amino acid position is not well conserved in available vertebrate species. In addition, this alteration is predicted to be tolerated by in silico analysis. Since supporting evidence is limited at this time, the clinical significance of this alteration remains unclear.

Color Diagnostics, LLC DBA Color Health
Classification: Uncertain significance for Hereditary cancer-predisposing syndrome. Last evaluated: 2023-12-05. Review status: criteria provided, single submitter. Criteria: ACMG Guidelines, 2015. Collection method: clinical testing. Allele origin: germline.
Comment: This missense variant replaces asparagine with aspartic acid at codon 1747 of the BRCA2 protein. Computational prediction suggests that this variant may not impact protein structure and function (internally defined REVEL score threshold <= 0.5, PMID: 27666373). To our knowledge, functional studies have not been reported for this variant. This variant has not been reported in individuals affected with BRCA2-related disorders in the literature. This variant has been identified in 1/31402 chromosomes in the general population by the Genome Aggregation Database (gnomAD). The available evidence is insufficient to determine the role of this variant in disease conclusively. Therefore, this variant is classified as a Variant of Uncertain Significance.

Labcorp Genetics (formerly Invitae), Labcorp
Classification: Uncertain significance for Hereditary breast ovarian cancer syndrome. Last evaluated: 2023-04-24. Review status: criteria provided, single submitter. Criteria: Invitae Variant Classification Sherloc (09022015). Collection method: clinical testing. Allele origin: germline.
Comment: In summary, the available evidence is currently insufficient to determine the role of this variant in disease. Therefore, it has been classified as a Variant of Uncertain Significance. Advanced modeling of protein sequence and biophysical properties (such as structural, functional, and spatial information, amino acid conservation, physicochemical variation, residue mobility, and thermodynamic stability) performed at Invitae indicates that this missense variant is not expected to disrupt BRCA2 protein function. ClinVar contains an entry for this variant (Variation ID: 96818). This variant has not been reported in the literature in individuals affected with BRCA2-related conditions. This variant is present in population databases (rs431825328, gnomAD 0.01%). This sequence change replaces asparagine, which is neutral and polar, with aspartic acid, which is acidic and polar, at codon 1747 of the BRCA2 protein (p.Asn1747Asp).

University of Washington Department of Laboratory Medicine, University of Washington
Classification: Likely benign for Hereditary cancer-predisposing syndrome. Last evaluated: 2023-03-23. Review status: criteria provided, single submitter. Criteria: Dines et al. (Genet Med. 2020). Collection method: curation. Allele origin: germline.
Comment: Missense variant in a coldspot region where missense variants are very unlikely to be pathogenic (PMID:31911673).

BRCA2 exon 11 coldspot. Reclassification based on statistical prior probability.

Counsyl
Classification: Uncertain significance for Breast-ovarian cancer, familial, susceptibility to, 2. Last evaluated: 2016-11-03. Review status: no assertion criteria provided. Collection method: clinical testing. Allele origin: unknown. Not counted in ClinVar's aggregate classification.

Sharing Clinical Reports Project (SCRP)
Classification: Uncertain significance for Breast-ovarian cancer, familial 2. Last evaluated: 2007-07-16. Review status: no assertion criteria provided. Collection method: clinical testing. Allele origin: germline. Not counted in ClinVar's aggregate classification.

NM_000059.4(BRCA2):c.5239A>G (p.Asn1747Asp)

Gene: BRCA2 (BRCA2 DNA repair associated; plus strand). Cytogenetic location: 13q13.1.
Variant type: single nucleotide variant.
Coding change: c.5239A>G on transcript NM_000059.4 (MANE Select); coding-DNA position 5239, A replaced by G.
Protein change: p.Asn1747Asp; replaces asparagine 1747 with aspartic acid.
Molecular consequence: missense variant.
Genome position (GRCh38, 1-based): chr13:32,339,594, A>G. VCF-style: chr13-32339594-A-G. GRCh37 (hg19) VCF-style: chr13-32913731-A-G.
Other names: short protein forms N1747D.
Identifiers: ClinVar variation 96818 (VCV000096818.21), dbSNP rs431825328, ClinGen allele CA021837.